The following is an entry in ClinVar:

ClinVar aggregate classification (germline): Uncertain significance (1 of 4 stars; one submission).

Allele frequency attached by ClinVar (database versions not stated): gnomAD exomes below 0.00001; ExAC 0.00001.
gnomAD v4.1: 5 of 1,613,918 alleles (0.00031%); highest among the groups gnomAD compares: Non-Finnish European, 0.00042%; no homozygotes.

Submission:

Centre of Medical Genetics, University Hospital Muenster
Classification: Uncertain significance. Last evaluated: 2021-12-13. Review status: criteria provided, single submitter. Criteria: ACMG Guidelines, 2015. Collection method: clinical testing. Allele origin: unknown. Affected: yes. Observed: 1 variant allele, 1 heterozygote.
Comment: ACMG categories: PM1,PM2

NM_000488.4(SERPINC1):c.427A>G (p.Ile143Val)

Gene: SERPINC1 (serpin family C member 1; minus strand). Cytogenetic location: 1q25.1.
Variant type: single nucleotide variant.
Coding change: c.427A>G on transcript NM_000488.4 (MANE Select); coding-DNA position 427, A replaced by G.
Protein change: p.Ile143Val; replaces isoleucine 143 with valine.
Molecular consequence: missense variant. On other transcripts: intron variant (1).
Genome position (GRCh38, 1-based): chr1:173,911,996, T>C on the plus strand (A>G on the coding strand, the complement: SERPINC1 is on the minus strand). VCF-style: chr1-173911996-T-C. GRCh37 (hg19) VCF-style: chr1-173881134-T-C.
Other names: c.283A>G, p.Ile95Val (NM_001365052.2); c.427A>G, p.Ile143Val (NM_001386302.1, NM_001386304.1, NM_001386305.1); c.508A>G, p.Ile170Val (NM_001386303.1); c.409-1105A>G (NM_001386306.1); short protein forms I143V, I170V, I95V.
Identifiers: ClinVar variation 1708375 (VCV001708375.3), dbSNP rs571861448, ClinGen allele CA1251412.